The following is an entry in ClinVar:

NM_001283009.2(RTEL1):c.2548G>T (p.Glu850Ter)

Genes: RTEL1-TNFRSF6B (RTEL1-TNFRSF6B readthrough (NMD candidate); plus strand), RTEL1 (regulator of telomere elongation helicase 1; plus strand). Cytogenetic location: 20q13.33.
Variant type: single nucleotide variant.
Coding change: c.2548G>T on transcript NM_001283009.2 (MANE Select); coding-DNA position 2548, G replaced by T.
Protein change: p.Glu850Ter; replaces glutamic acid 850 with a stop codon.
Molecular consequence: nonsense. On other transcripts: non-coding transcript variant (1).
Genome position (GRCh38, 1-based): chr20:63,690,939, G>T. VCF-style: chr20-63690939-G-T. GRCh37 (hg19) VCF-style: chr20-62322292-G-T.
Other names: c.1879G>T, p.Glu627Ter (NM_001283010.1); c.2548G>T, p.Glu850Ter (NM_016434.4); c.2620G>T, p.Glu874Ter (NM_032957.5); short protein forms E627*, E850*, E874*.
Identifiers: ClinVar variation 4816348 (VCV004816348.1).
Genomic context (GRCh38, chr20:63,690,939, plus strand): 5'-AGGCCCAGGGGGCTGCTGGCCGCCCTGGAGCACAGCGAACAGCGGGCGGGGAGCCCTGGC[G>T]AGGAGCAGGTACAGTTCCAGGGCCTTGGGATGGACACAGACCCTCTGTCTCCTGAGGCCA-3'

ClinVar aggregate classification (germline): Likely pathogenic (1 of 4 stars; one submission).

Conditions:
Dyskeratosis congenita. Identifiers: Orphanet 1775, MedGen C0265965, MONDO:0015780.

Submission:

Natera, Inc.
Classification: Likely pathogenic for Dyskeratosis congenita. Last evaluated: 2025-09-11. Review status: criteria provided, single submitter. Criteria: Natera Variant Classification Schema (03/2026). Collection method: clinical testing. Allele origin: germline.
Comment: The c.2620G>T variant in RTEL1 is a nonsense variant predicted to introduce a stop codon at amino acid 874. This variant is expected to result in nonsense mediated decay, truncation, or a dysfunctional protein product. This variant is rare in the general population with a frequency below the threshold expected for the associated phenotype(s). Given the available evidence, this variant is classified as Likely Pathogenic.